The following is an entry in ClinVar:

ClinVar aggregate classification (germline): Uncertain significance (1 of 4 stars; one submission).

Conditions:
Tuberous sclerosis 2 (TSC2). Identifiers: Orphanet 805, MedGen C1860707, MONDO:0013199, OMIM 613254.

Submission:

Labcorp Genetics (formerly Invitae), Labcorp
Classification: Uncertain significance for Tuberous sclerosis 2. Last evaluated: 2020-02-19. Review status: criteria provided, single submitter. Criteria: Invitae Variant Classification Sherloc (09022015). Collection method: clinical testing. Allele origin: germline.
Comment: Algorithms developed to predict the effect of missense changes on protein structure and function are either unavailable or do not agree on the potential impact of this missense change (SIFT: "Deleterious"; PolyPhen-2: "Possibly Damaging"; Align-GVGD: "Class C15"). In summary, the available evidence is currently insufficient to determine the role of this variant in disease. Therefore, it has been classified as a Variant of Uncertain Significance. This sequence change replaces serine with tryptophan at codon 1254 of the TSC2 protein (p.Ser1254Trp). The serine residue is moderately conserved and there is a large physicochemical difference between serine and tryptophan. This variant is not present in population databases (ExAC no frequency). This variant has not been reported in the literature in individuals with TSC2-related conditions.

NM_000548.5(TSC2):c.3761C>G (p.Ser1254Trp)

Gene: TSC2 (TSC complex subunit 2; plus strand). Cytogenetic location: 16p13.3.
Variant type: single nucleotide variant.
Coding change: c.3761C>G on transcript NM_000548.5 (MANE Select); coding-DNA position 3761, C replaced by G.
Protein change: p.Ser1254Trp; replaces serine 1254 with tryptophan.
Molecular consequence: missense variant.
Genome position (GRCh38, 1-based): chr16:2,081,745, C>G. VCF-style: chr16-2081745-C-G. GRCh37 (hg19) VCF-style: chr16-2131746-C-G.
Other names: c.3629C>G, p.Ser1210Trp (NM_001077183.3, NM_001370404.1); c.3761C>G, p.Ser1254Trp (NM_001114382.3); c.3521C>G, p.Ser1174Trp (NM_001318827.2); c.3485C>G, p.Ser1162Trp (NM_001318829.2); c.3029C>G, p.Ser1010Trp (NM_001318831.2); c.3662C>G, p.Ser1221Trp (NM_001318832.2); c.3632C>G, p.Ser1211Trp (NM_001363528.2, NM_001370405.1, NM_021055.3); short protein forms S1010W, S1162W, S1174W, S1210W, S1211W, S1221W, S1254W.
Identifiers: ClinVar variation 1020019 (VCV001020019.9), dbSNP rs1596400563, ClinGen allele CA394293212.